The following is an entry in ClinVar:

ClinVar aggregate classification (germline): Pathogenic (1 of 4 stars; one submission).

Conditions:
Familial cancer of breast. Also called: BREAST CANCER, FAMILIAL; Hereditary breast cancer; hereditary breast carcinoma. Identifiers: Orphanet 227535, MedGen C0346153, MONDO:0016419, OMIM 114480. Disease mechanism: loss of function.

Submission:

Department of Clinical Genetics, Copenhagen University Hospital, Rigshospitalet
Classification: Pathogenic for Familial cancer of breast. Last evaluated: 2025-12-10. Review status: criteria provided, single submitter. Criteria: ACMG Guidelines, 2015. Collection method: clinical testing. Allele origin: germline.
Comment: The following ACMG criteria has been used: PM2_SUP; PVS1; PM5_Strong (PTC)

Literature cited by the submitters: PubMed 21318380.

NM_007294.4(BRCA1):c.3504dup (p.Asp1169Ter)

Genes: BRCA1 (BRCA1 DNA repair associated; minus strand), LOC126862571 (BRD4-independent group 4 enhancer GRCh37_chr17:41243136-41244335; plus strand). Cytogenetic location: 17q21.31.
Variant type: Duplication.
Coding change: c.3504dup on transcript NM_007294.4 (MANE Select); coding-DNA position 3504, one base duplicated (T; older notation c.3504dupT).
Protein change: p.Asp1169Ter; replaces aspartic acid 1169 with a stop codon.
Molecular consequence: nonsense. On other transcripts: intron variant (135).
Genome position (GRCh38, 1-based): chr17:43,092,027, A duplicated on the plus strand (T on the coding strand, the reverse complement: BRCA1 is on the minus strand). VCF-style (leftmost placement, unchanged base first): chr17-43092026-C-CA. GRCh37 (hg19) VCF-style: chr17-41244043-C-CA.
Other names: c.900dup, p.Asp301Ter (NM_001407969.1, NM_001407968.1); c.3363dup, p.Asp1122Ter (NM_007297.4, NM_001407692.1, NM_001407694.1 and 29 more transcripts); c.3504dup, p.Asp1169Ter (NM_007300.4, NM_001407581.1, NM_001407582.1 and 30 more transcripts); c.647-995dup (NM_001408458.1, NM_001408469.1, NM_001408453.1 and 11 more transcripts); c.284-995dup (NM_001408512.1); c.407-995dup (NM_001408510.1); c.644-995dup (NM_001408470.1, NM_001408465.1, NM_001408463.1 and 3 more transcripts); c.3291dup, p.Asp1098Ter (NM_001407571.1, NM_001407853.1, NM_001407894.1 and 9 more transcripts); and 41 more; short protein forms D1001*, D1041*, D1042*, D1057*, D1058*, D1080*, D1081*, D1098*.
Identifiers: ClinVar variation 4871826 (VCV004871826.1).